The following is an entry in ClinVar:

ClinVar aggregate classification (germline): Benign/Likely benign. Review status: criteria provided, multiple submitters, no conflicts (2 of 4 stars). 2 submissions from 2 submitters: Benign (1); Likely benign (1). Last evaluated 2025-01-08.

Conditions:
Hereditary nonpolyposis colorectal neoplasms. Identifiers: MedGen C0009405, MeSH D003123.
Lynch syndrome 5 (LYNCH5). Also called: Colorectal cancer, hereditary nonpolyposis, type 5; Hereditary non-polyposis colorectal cancer, type 5. Identifiers: Orphanet 144, MedGen C1833477, MONDO:0013710, OMIM 614350. Disease mechanism: loss of function.

Submissions (2):

Myriad Genetics, Inc.
Classification: Benign for Lynch syndrome 5. Last evaluated: 2025-01-08. Review status: criteria provided, single submitter. Criteria: Myriad Autosomal Dominant, Autosomal Recessive and X-Linked Classification Criteria (2023). Collection method: clinical testing. Allele origin: unknown.
Comment: This variant is considered benign. This variant is a silent/synonymous amino acid change and it is not expected to impact splicing.

Labcorp Genetics (formerly Invitae), Labcorp
Classification: Likely benign for Hereditary nonpolyposis colorectal neoplasms. Last evaluated: 2020-01-27. Review status: criteria provided, single submitter. Criteria: Invitae Variant Classification Sherloc (09022015). Collection method: clinical testing. Allele origin: germline.

NM_000179.3(MSH6):c.3756A>G (p.Leu1252=)

Gene: MSH6 (mutS homolog 6; plus strand). Cytogenetic location: 2p16.3.
Variant type: single nucleotide variant.
Coding change: c.3756A>G on transcript NM_000179.3 (MANE Select); coding-DNA position 3756, A replaced by G.
Protein change: p.Leu1252=; no amino-acid change (leucine 1252 retained).
Molecular consequence: synonymous variant.
Genome position (GRCh38, 1-based): chr2:47,806,313, A>G. VCF-style: chr2-47806313-A-G. GRCh37 (hg19) VCF-style: chr2-48033452-A-G.
Other names: c.3366A>G, p.Leu1122= (NM_001281492.2); c.2850A>G, p.Leu950= (NM_001281493.2, NM_001281494.2).
Identifiers: ClinVar variation 1159315 (VCV001159315.11), dbSNP rs2104544139, ClinGen allele CA346761093.
Genomic context (GRCh38, chr2:47,806,313, plus strand): 5'-TAAAGAACTTGCTGAGACTATAAAATGTCGTACATTATTTTCAACTCACTACCATTCATT[A>G]GTAGAAGATTATTCTCAAAATGTTGCTGTGCGCCTAGGACATATGGTATGTGCAAATTGT-3'
Protein context (NP_000170.1, residues 1242-1262): RTLFSTHYHS[Leu1252=]VEDYSQNVAV